The following is an entry in ClinVar:

ClinVar aggregate classification (germline): Uncertain significance. Review status: criteria provided, multiple submitters, no conflicts (2 of 4 stars). 2 submissions from 2 submitters: Uncertain significance (2). Last evaluated 2024-10-22.

Allele frequency attached by ClinVar (database versions not stated): gnomAD 0.00009; 1000 Genomes Project 30x 0.00016; 1000 Genomes Project 0.00020.
gnomAD v4.1: 164 of 1,612,976 alleles (0.01%); highest among the groups gnomAD compares: Non-Finnish European, 0.013%; no homozygotes.

Submissions (2):

Blueprint Genetics
Classification: Uncertain significance. Last evaluated: 2024-10-22. Review status: criteria provided, single submitter. Criteria: ACMG Guidelines, 2015. Collection method: clinical testing. Allele origin: germline.

Labcorp Genetics (formerly Invitae), Labcorp
Classification: Uncertain significance. Last evaluated: 2022-10-17. Review status: criteria provided, single submitter. Criteria: Invitae Variant Classification Sherloc (09022015). Collection method: clinical testing. Allele origin: germline.
Comment: This sequence change replaces arginine, which is basic and polar, with tryptophan, which is neutral and slightly polar, at codon 1073 of the COL18A1 protein (p.Arg1073Trp). This variant is present in population databases (rs564336928, gnomAD 0.02%). This variant has not been reported in the literature in individuals affected with COL18A1-related conditions. Experimental studies and prediction algorithms are not available or were not evaluated, and the functional significance of this variant is currently unknown. In summary, the available evidence is currently insufficient to determine the role of this variant in disease. Therefore, it has been classified as a Variant of Uncertain Significance.

NM_001379500.1(COL18A1):c.3226C>T (p.Arg1076Trp)

Genes: COL18A1 (collagen type XVIII alpha 1 chain; plus strand), SLC19A1 (solute carrier family 19 member 1; minus strand). Cytogenetic location: 21q22.3.
Variant type: single nucleotide variant.
Coding change: c.3226C>T on transcript NM_001379500.1 (MANE Select); coding-DNA position 3226, C replaced by T.
Protein change: p.Arg1076Trp; replaces arginine 1076 with tryptophan.
Molecular consequence: missense variant.
Genome position (GRCh38, 1-based): chr21:45,507,570, C>T. VCF-style: chr21-45507570-C-T. GRCh37 (hg19) VCF-style: chr21-46927484-C-T.
Other names: c.3757C>T, p.Arg1253Trp (NM_030582.4); c.4462C>T, p.Arg1488Trp (NM_130444.3); short protein forms R1253W, R1076W, R1488W.
Identifiers: ClinVar variation 2073105 (VCV002073105.2), dbSNP rs564336928, ClinGen allele CA10067792.